The following is an entry in ClinVar:

ClinVar aggregate classification (germline): Uncertain significance (1 of 4 stars; one submission).

gnomAD v4.1: 10 of 1,613,880 alleles (0.00062%); highest among the groups gnomAD compares: Non-Finnish European, 0.00085%; no homozygotes.

Submission:

Labcorp Genetics (formerly Invitae), Labcorp
Classification: Uncertain significance. Last evaluated: 2022-03-04. Review status: criteria provided, single submitter. Criteria: Invitae Variant Classification Sherloc (09022015). Collection method: clinical testing. Allele origin: germline.
Comment: In summary, the available evidence is currently insufficient to determine the role of this variant in disease. Therefore, it has been classified as a Variant of Uncertain Significance. Algorithms developed to predict the effect of sequence changes on RNA splicing suggest that this variant may create or strengthen a splice site. Algorithms developed to predict the effect of missense changes on protein structure and function output the following: SIFT: "Deleterious"; PolyPhen-2: "Benign"; Align-GVGD: "Class C0". The serine amino acid residue is found in multiple mammalian species, which suggests that this missense change does not adversely affect protein function. This missense change has been observed in individual(s) with retinitis pigmentosa (Invitae). This variant is present in population databases (no rsID available, gnomAD 0.0009%). This sequence change replaces arginine, which is basic and polar, with serine, which is neutral and polar, at codon 136 of the RIMS1 protein (p.Arg136Ser).

NM_014989.7(RIMS1):c.406C>A (p.Arg136Ser)

Gene: RIMS1 (regulating synaptic membrane exocytosis 1; plus strand). Cytogenetic location: 6q13.
Variant type: single nucleotide variant.
Coding change: c.406C>A on transcript NM_014989.7 (MANE Select); coding-DNA position 406, C replaced by A.
Protein change: p.Arg136Ser; replaces arginine 136 with serine.
Molecular consequence: missense variant.
Genome position (GRCh38, 1-based): chr6:72,097,109, C>A. VCF-style: chr6-72097109-C-A. GRCh37 (hg19) VCF-style: chr6-72806812-C-A.
Other names: c.403C>A, p.Arg135Ser (NM_001350411.1); c.325C>A, p.Arg109Ser (NM_001350412.1); c.406C>A, p.Arg136Ser (NM_001350413.1); short protein forms R109S, R136S, R135S.
Identifiers: ClinVar variation 2170121 (VCV002170121.4), dbSNP rs1044390019, ClinGen allele CA364822802.